The following is an entry in ClinVar:

ClinVar aggregate classification (germline): Pathogenic (1 of 4 stars; one submission).

Submission:

Labcorp Genetics (formerly Invitae), Labcorp
Classification: Pathogenic. Last evaluated: 2020-03-10. Review status: criteria provided, single submitter. Criteria: Invitae Variant Classification Sherloc (09022015). Collection method: clinical testing. Allele origin: germline.
Comment: Loss-of-function variants in NSD1 are known to be pathogenic (PMID: 12464997, 14571271, 15942875, 16247291). For these reasons, this variant has been classified as Pathogenic. This variant has not been reported in the literature in individuals with NSD1-related conditions. This variant is not present in population databases (ExAC no frequency). This sequence change creates a premature translational stop signal (p.His1505Glnfs*12) in the NSD1 gene. It is expected to result in an absent or disrupted protein product.

Literature cited by the submitters: PubMed 12464997; PubMed 14571271; PubMed 15942875; PubMed 16247291.

NM_022455.5(NSD1):c.4514dup (p.His1505fs)

Gene: NSD1 (nuclear receptor binding SET domain protein 1; plus strand). Cytogenetic location: 5q35.3.
Variant type: Duplication.
Coding change: c.4514dup on transcript NM_022455.5 (MANE Select); coding-DNA position 4514, one base duplicated (A; older notation c.4514dupA).
Protein change: p.His1505fs; shifts the reading frame from histidine 1505.
Molecular consequence: frameshift variant.
Genome position (GRCh38, 1-based): chr5:177,248,197, A duplicated. VCF-style (leftmost placement, unchanged base first): chr5-177248196-C-CA. GRCh37 (hg19) VCF-style: chr5-176675197-C-CA.
Other names: c.3641dup, p.His1214Glnfs (NM_001365684.2, NM_001409306.1, NM_001409307.1 and 3 more transcripts); c.4514dup, p.His1505Glnfs (NM_001409301.1, NM_001409302.1, NM_001409303.1); c.4094dup, p.His1365Glnfs (NM_001409304.1); c.3761dup, p.His1254Glnfs (NM_001409305.1); short protein forms H1236fs, H1505fs.
Identifiers: ClinVar variation 1071923 (VCV001071923.7), dbSNP rs2149899468, ClinGen allele CA2499217783.
Genomic context (GRCh38, chr5:177,248,196, plus strand): 5'-AGACATCAATAATACAGATGTGGGACATTATTTTTTCTTTGCAAGGGAGAACTAATGCCT[C>CA]ACAGGACGGCCACAAGCCCCAAGGAGACTGTTGAGGAAGGTGTAGAACACGATCCCGGGA-3'